The following is an entry in ClinVar:

NM_000051.4(ATM):c.1450_1451del (p.Trp484fs)

Gene: ATM (ATM serine/threonine kinase; plus strand). Cytogenetic location: 11q22.3.
Variant type: Deletion.
Coding change: c.1450_1451del on transcript NM_000051.4 (MANE Select); coding-DNA positions 1450 to 1451, 2 bases deleted (TG; older notation c.1450_1451delTG).
Protein change: p.Trp484fs; shifts the reading frame from tryptophan 484.
Molecular consequence: frameshift variant.
Genome position (GRCh38, 1-based): chr11:108,250,915-108,250,916, TG deleted. VCF-style (leftmost placement, unchanged base first): chr11-108250914-CTG-C. GRCh37 (hg19) VCF-style: chr11-108121641-CTG-C.
Other names: c.1450_1451del, p.Trp484fs (NM_001351834.2); short protein forms W484fs.
Identifiers: ClinVar variation 2577286 (VCV002577286.1), dbSNP rs2497247115, ClinGen allele CA2580616451.

ClinVar aggregate classification (germline): Pathogenic (1 of 4 stars; one submission).

Conditions:
Malignant tumor of breast. Also called: Malignant breast neoplasm; Cancer breast. Identifiers: MedGen C0006142, MONDO:0007254. Disease mechanism: loss of function.

Submission:

Women's Health and Genetics/Laboratory Corporation of America, LabCorp
Classification: Pathogenic for Malignant tumor of breast. Last evaluated: 2023-07-14. Review status: criteria provided, single submitter. Criteria: LabCorp Variant Classification Summary - May 2015. Collection method: clinical testing. Allele origin: germline.
Comment: Variant summary: ATM c.1450_1451delTG (p.Trp484GlufsX2) results in a premature termination codon, predicted to cause a truncation of the encoded protein or absence of the protein due to nonsense mediated decay, which are commonly known mechanisms for disease. Variants downstream of this position have been classified as pathogenic by our laboratory. The variant was absent in 251370 control chromosomes (gnomAD). To our knowledge, no occurrence of c.1450_1451delTG in individuals affected with Breast Cancer and no experimental evidence demonstrating its impact on protein function have been reported. No submitters have cited clinical-significance assessments for this variant to ClinVar after 2014. Based on the evidence outlined above, the variant was classified as pathogenic.